The following is an entry in ClinVar:

NM_001111.5(ADAR):c.3148G>A (p.Gly1050Arg)

Gene: ADAR (adenosine deaminase RNA specific; minus strand). Cytogenetic location: 1q21.3.
Variant type: single nucleotide variant.
Coding change: c.3148G>A on transcript NM_001111.5 (MANE Select); coding-DNA position 3148, G replaced by A.
Protein change: p.Gly1050Arg; replaces glycine 1050 with arginine.
Molecular consequence: missense variant.
Genome position (GRCh38, 1-based): chr1:154,586,235, C>T on the plus strand (G>A on the coding strand, the complement: ADAR is on the minus strand). VCF-style: chr1-154586235-C-T. GRCh37 (hg19) VCF-style: chr1-154558711-C-T.
Other names: c.2263G>A, p.Gly755Arg (NM_001025107.3, NM_001193495.2, NM_001365046.1 and 2 more transcripts); c.3175G>A, p.Gly1059Arg (NM_001365045.1); c.2185G>A, p.Gly729Arg (NM_001365049.1); c.3070G>A, p.Gly1024Arg (NM_015840.4); c.3013G>A, p.Gly1005Arg (NM_015841.4); short protein forms G1005R, G1024R, G1050R, G1059R, G729R, G755R.
Identifiers: ClinVar variation 2636813 (VCV002636813.3), dbSNP rs2526464693, ClinGen allele CA342635628.

ClinVar aggregate classification (germline): Uncertain significance. Review status: criteria provided, multiple submitters, no conflicts (2 of 4 stars). 2 submissions from 2 submitters: Uncertain significance (2). Last evaluated 2024-10-23.

Conditions:
ADAR-related disorder. Also called: ADAR-related disorders; ADAR-related condition.
Symmetrical dyschromatosis of extremities (DSH). Also called: DYSCHROMATOSIS SYMMETRICA HEREDITARIA 1; RETICULATE ACROPIGMENTATION OF DOHI; SYMMETRIC DYSCHROMATOSIS OF THE EXTREMITIES; Dyschromatosis symmetrica hereditaria. Identifiers: Orphanet 41, MedGen C0406775, MONDO:0007483, OMIM 127400.
Aicardi-Goutieres syndrome 6 (AGS6). Identifiers: Orphanet 51, MedGen C3539013, MONDO:0014007, OMIM 615010.

Submissions (2):

Labcorp Genetics (formerly Invitae), Labcorp
Classification: Uncertain significance for Aicardi-Goutieres syndrome 6; Symmetrical dyschromatosis of extremities. Last evaluated: 2024-10-23. Review status: criteria provided, single submitter. Criteria: Invitae Variant Classification Sherloc (09022015). Collection method: clinical testing. Allele origin: germline.
Comment: This sequence change replaces glycine, which is neutral and non-polar, with arginine, which is basic and polar, at codon 1050 of the ADAR protein (p.Gly1050Arg). This variant is not present in population databases (gnomAD no frequency). This variant has not been reported in the literature in individuals affected with ADAR-related conditions. ClinVar contains an entry for this variant (Variation ID: 2636813). Invitae Evidence Modeling of protein sequence and biophysical properties (such as structural, functional, and spatial information, amino acid conservation, physicochemical variation, residue mobility, and thermodynamic stability) has been performed for this missense variant. However, the output from this modeling did not meet the statistical confidence thresholds required to predict the impact of this variant on ADAR protein function. In summary, the available evidence is currently insufficient to determine the role of this variant in disease. Therefore, it has been classified as a Variant of Uncertain Significance.

PreventionGenetics, part of Exact Sciences
Classification: Uncertain significance for ADAR-related condition. Last evaluated: 2023-06-27. Review status: criteria provided, single submitter. Criteria: ACMG Guidelines, 2015. Collection method: clinical testing. Allele origin: germline.
Comment: The ADAR c.3148G>A variant is predicted to result in the amino acid substitution p.Gly1050Arg. To our knowledge, this variant has not been reported in the literature or in a large population database, indicating this variant is rare. At this time, the clinical significance of this variant is uncertain due to the absence of conclusive functional and genetic evidence.